The following is an entry in ClinVar:

NM_001365088.1(SLC12A6):c.3153del (p.Asp1052fs)

Gene: SLC12A6 (solute carrier family 12 member 6; minus strand). Cytogenetic location: 15q14.
Variant type: Deletion.
Coding change: c.3153del on transcript NM_001365088.1 (MANE Select); coding-DNA position 3153, one base deleted (A; older notation c.3153delA).
Protein change: p.Asp1052fs; shifts the reading frame from aspartic acid 1052.
Molecular consequence: frameshift variant.
Genome position (GRCh38, 1-based): chr15:34,236,089, T deleted on the plus strand (A on the coding strand, the reverse complement: SLC12A6 is on the minus strand); the first of 4 consecutive T bases (chr15:34,236,089-34,236,092); deleting any one gives the same sequence. VCF-style (leftmost placement, unchanged base first): chr15-34236088-CT-C. GRCh37 (hg19) VCF-style: chr15-34528289-CT-C.
Other names: c.2976del, p.Asp993fs (NM_001042494.2, NM_001042495.2); c.3126del, p.Asp1043fs (NM_001042496.2); c.3108del, p.Asp1037fs (NM_001042497.2); c.3000del, p.Asp1001fs (NM_005135.2); c.3153del, p.Asp1052fs (NM_133647.2); short protein forms D1037fs, D1052fs, D1043fs, D1001fs, D993fs.
Identifiers: ClinVar variation 5003685 (VCV005003685.1).

ClinVar aggregate classification (germline): Pathogenic (1 of 4 stars; one submission).

Conditions:
Agenesis of the corpus callosum with peripheral neuropathy (ACCPN). Also called: POLYNEUROPATHY, SENSORIMOTOR, WITH OR WITHOUT AGENESIS OF THE CORPUS CALLOSUM; HMSN/ACC; CHARLEVOIX DISEASE; Hereditary Motor and Sensory Neuropathy with Agenesis of the Corpus Callosum. Identifiers: Orphanet 1496, MedGen C0795950, MONDO:0000902, OMIM 218000. Disease mechanism: loss of function.

Submission:

Myriad Genetics, Inc.
Classification: Pathogenic for Agenesis of the corpus callosum with peripheral neuropathy. Last evaluated: 2025-10-08. Review status: criteria provided, single submitter. Criteria: Myriad Autosomal Dominant, Autosomal Recessive and X-Linked Classification Criteria (2023). Collection method: clinical testing. Allele origin: unknown.
Comment: NM_133647.1(SLC12A6):c.3153delA(D1052Tfs*30) is a frameshift variant classified as pathogenic in the context of Andermann syndrome. D1052Tfs*30 has not been observed in cases with relevant disease. Relevant functional assessments of this variant are not available in the literature. D1052Tfs*30 has not been observed in referenced population frequency databases. In summary, NM_133647.1(SLC12A6):c.3153delA(D1052Tfs*30) is a frameshift variant in a gene where loss of function is a known mechanism of disease and is predicted to disrupt protein function. Please note: this variant was assessed in the context of healthy population screening.